The following is an entry in ClinVar:

NM_001378454.1(ALMS1):c.5386A>G (p.Thr1796Ala)

Gene: ALMS1 (ALMS1 centrosome and basal body associated protein; plus strand). Cytogenetic location: 2p13.1.
Variant type: single nucleotide variant.
Coding change: c.5386A>G on transcript NM_001378454.1 (MANE Select); coding-DNA position 5386, A replaced by G.
Protein change: p.Thr1796Ala; replaces threonine 1796 with alanine.
Molecular consequence: missense variant.
Genome position (GRCh38, 1-based): chr2:73,451,913, A>G. VCF-style: chr2-73451913-A-G. GRCh37 (hg19) VCF-style: chr2-73679040-A-G.
Other names: c.5389A>G, p.Thr1797Ala (NM_015120.4); short protein forms T1796A, T1797A.
Identifiers: ClinVar variation 1986067 (VCV001986067.5), dbSNP rs2466104894, ClinGen allele CA347281916.

ClinVar aggregate classification (germline): Uncertain significance. Review status: criteria provided, single submitter (1 of 4 stars). 2 submissions from 2 submitters: Uncertain significance (1). 1 of the submissions does not count toward it. Last evaluated 2022-07-07.

Conditions:
Alstrom syndrome (ALMS). Identifiers: Orphanet 64, MedGen C0268425, MONDO:0008763, OMIM 203800.

Submissions (2):

Labcorp Genetics (formerly Invitae), Labcorp
Classification: Uncertain significance for Alstrom syndrome. Last evaluated: 2022-07-07. Review status: criteria provided, single submitter. Criteria: Invitae Variant Classification Sherloc (09022015). Collection method: clinical testing. Allele origin: germline.
Comment: In summary, the available evidence is currently insufficient to determine the role of this variant in disease. Therefore, it has been classified as a Variant of Uncertain Significance. Experimental studies and prediction algorithms are not available or were not evaluated, and the functional significance of this variant is currently unknown. This variant has not been reported in the literature in individuals affected with ALMS1-related conditions. This variant is not present in population databases (gnomAD no frequency). This sequence change replaces threonine, which is neutral and polar, with alanine, which is neutral and non-polar, at codon 1797 of the ALMS1 protein (p.Thr1797Ala).

Natera, Inc.
Classification: Uncertain significance for Alstrom syndrome. Last evaluated: 2025-05-05. Review status: no assertion criteria provided. Collection method: clinical testing. Allele origin: germline. Not counted in ClinVar's aggregate classification.